The following is an entry in ClinVar:

NM_032444.4(SLX4):c.4004G>T (p.Gly1335Val)

Gene: SLX4 (SLX4 structure-specific endonuclease subunit; minus strand). Cytogenetic location: 16p13.3.
Variant type: single nucleotide variant.
Coding change: c.4004G>T on transcript NM_032444.4 (MANE Select); coding-DNA position 4004, G replaced by T.
Protein change: p.Gly1335Val; replaces glycine 1335 with valine.
Molecular consequence: missense variant.
Genome position (GRCh38, 1-based): chr16:3,589,634, C>A on the plus strand (G>T on the coding strand, the complement: SLX4 is on the minus strand). VCF-style: chr16-3589634-C-A. GRCh37 (hg19) VCF-style: chr16-3639635-C-A.
Other names: short protein forms G1335V.
Identifiers: ClinVar variation 2102185 (VCV002102185.4), dbSNP rs761813549, ClinGen allele CA394518614.

ClinVar aggregate classification (germline): Uncertain significance (1 of 4 stars; one submission).

Conditions:
Fanconi anemia (FA). Also called: Fanconi's anemia. Identifiers: Orphanet 84, MedGen C0015625, MeSH D005199, MONDO:0019391.

gnomAD v4.1: 1 of 1,613,972 alleles (0.000062%); highest among the groups gnomAD compares: Non-Finnish European, 0.000085%; no homozygotes.

Submission:

Labcorp Genetics (formerly Invitae), Labcorp
Classification: Uncertain significance for Fanconi anemia. Last evaluated: 2022-08-23. Review status: criteria provided, single submitter. Criteria: Invitae Variant Classification Sherloc (09022015). Collection method: clinical testing. Allele origin: germline.
Comment: This variant has not been reported in the literature in individuals affected with SLX4-related conditions. This variant is not present in population databases (gnomAD no frequency). This sequence change replaces glycine, which is neutral and non-polar, with valine, which is neutral and non-polar, at codon 1335 of the SLX4 protein (p.Gly1335Val). Algorithms developed to predict the effect of missense changes on protein structure and function (SIFT, PolyPhen-2, Align-GVGD) all suggest that this variant is likely to be tolerated. In summary, the available evidence is currently insufficient to determine the role of this variant in disease. Therefore, it has been classified as a Variant of Uncertain Significance.